The following is an entry in ClinVar:

ClinVar aggregate classification (germline): Uncertain significance (1 of 4 stars; one submission).

Conditions:
Developmental and epileptic encephalopathy, 9 (DEE9). Also called: EPILEPSY, FEMALE-RESTRICTED, WITH MENTAL RETARDATION; Early infantile epileptic encephalopathy 9; JUBERG-HELLMAN SYNDROME; PCDH19-Related X-Linked Female-Limited Epilepsy with Mental Retardation. Identifiers: Orphanet 101039, Orphanet 2076, MedGen C1848137, MONDO:0010246, OMIM 300088. Disease mechanism: loss of function.

Submission:

Labcorp Genetics (formerly Invitae), Labcorp
Classification: Uncertain significance for Developmental and epileptic encephalopathy, 9. Last evaluated: 2022-08-30. Review status: criteria provided, single submitter. Criteria: Invitae Variant Classification Sherloc (09022015). Collection method: clinical testing. Allele origin: germline.
Comment: This sequence change replaces glutamic acid, which is acidic and polar, with glutamine, which is neutral and polar, at codon 464 of the PCDH19 protein (p.Glu464Gln). This variant is not present in population databases (gnomAD no frequency). This variant has not been reported in the literature in individuals affected with PCDH19-related conditions. Advanced modeling of protein sequence and biophysical properties (such as structural, functional, and spatial information, amino acid conservation, physicochemical variation, residue mobility, and thermodynamic stability) performed at Invitae indicates that this missense variant is expected to disrupt PCDH19 protein function. In summary, the available evidence is currently insufficient to determine the role of this variant in disease. Therefore, it has been classified as a Variant of Uncertain Significance.

NM_001184880.2(PCDH19):c.1390G>C (p.Glu464Gln)

Gene: PCDH19 (protocadherin 19; minus strand). Cytogenetic location: Xq22.1.
Variant type: single nucleotide variant.
Coding change: c.1390G>C on transcript NM_001184880.2 (MANE Select); coding-DNA position 1390, G replaced by C.
Protein change: p.Glu464Gln; replaces glutamic acid 464 with glutamine.
Molecular consequence: missense variant.
Genome position (GRCh38, 1-based): chrX:100,407,208, C>G on the plus strand (G>C on the coding strand, the complement: PCDH19 is on the minus strand). VCF-style: chrX-100407208-C-G. GRCh37 (hg19) VCF-style: chrX-99662206-C-G.
Other names: c.1390G>C, p.Glu464Gln (NM_001105243.2, NM_020766.3); short protein forms E464Q.
Identifiers: ClinVar variation 1718361 (VCV001718361.6), dbSNP rs2520982797, ClinGen allele CA414002825.